The following is an entry in ClinVar:

ClinVar aggregate classification (germline): Uncertain significance (1 of 4 stars; one submission).

Conditions:
Inborn genetic diseases. Identifiers: MedGen C0950123, MeSH D030342.

gnomAD v4.1: 2 of 1,613,970 alleles (0.00012%); highest among the groups gnomAD compares: South Asian, 0.0011%; no homozygotes.

Submission:

Ambry Genetics
Classification: Uncertain significance for Inborn genetic diseases. Last evaluated: 2024-10-04. Review status: criteria provided, single submitter. Criteria: Ambry Variant Classification Scheme 2023. Collection method: clinical testing. Allele origin: germline.
Comment: The p.E445Q variant (also known as c.1333G>C), located in coding exon 1 of the SAMD9L gene, results from a G to C substitution at nucleotide position 1333. The glutamic acid at codon 445 is replaced by glutamine, an amino acid with highly similar properties. This amino acid position is conserved. In addition, this alteration is predicted to be tolerated by in silico analysis. Based on the available evidence, the clinical significance of this variant remains unclear.

NM_152703.5(SAMD9L):c.1333G>C (p.Glu445Gln)

Gene: SAMD9L (sterile alpha motif domain containing 9 like; minus strand). Cytogenetic location: 7q21.2.
Variant type: single nucleotide variant.
Coding change: c.1333G>C on transcript NM_152703.5 (MANE Select); coding-DNA position 1333, G replaced by C.
Protein change: p.Glu445Gln; replaces glutamic acid 445 with glutamine.
Molecular consequence: missense variant.
Genome position (GRCh38, 1-based): chr7:93,134,639, C>G on the plus strand (G>C on the coding strand, the complement: SAMD9L is on the minus strand). VCF-style: chr7-93134639-C-G. GRCh37 (hg19) VCF-style: chr7-92763952-C-G.
Other names: c.1333G>C, p.Glu445Gln (NM_001303496.3, NM_001303497.3, NM_001303498.3 and 5 more transcripts); short protein forms E445Q.
Identifiers: ClinVar variation 3437136 (VCV003437136.1).